The following is an entry in ClinVar:

ClinVar aggregate classification (germline): Pathogenic (1 of 4 stars; one submission).

Conditions:
Muscular dystrophy-dystroglycanopathy (congenital with brain and eye anomalies), type A2. Also called: MUSCULAR DYSTROPHY-DYSTROGLYCANOPATHY (CONGENITAL WITH BRAIN AND EYE ANOMALIES), TYPE A, 2; WALKER-WARBURG SYNDROME OR MUSCLE-EYE-BRAIN DISEASE, POMT2-RELATED. Identifiers: Orphanet 588, Orphanet 899, MedGen C3150411, MONDO:0013154, OMIM 613150.
Muscular dystrophy-dystroglycanopathy (congenital with impaired intellectual development), type B, 2. Also called: Muscular dystrophy-dystroglycanopathy (congenital with intellectual disability), type B2; MUSCULAR DYSTROPHY, CONGENITAL, POMT2-RELATED. Identifiers: MedGen C3150416, MONDO:0013160, OMIM 613156.
Autosomal recessive limb-girdle muscular dystrophy type 2N. Also called: MUSCULAR DYSTROPHY-DYSTROGLYCANOPATHY, LIMB-GIRDLE, POMT2-RELATED; Muscular dystrophy-dystroglycanopathy (limb-girdle), type C, 2. Identifiers: Orphanet 206559, MedGen C3150418, MONDO:0013162, OMIM 613158.

Submission:

Labcorp Genetics (formerly Invitae), Labcorp
Classification: Pathogenic for Muscular dystrophy-dystroglycanopathy (congenital with impaired intellectual development), type B, 2; Muscular dystrophy-dystroglycanopathy (congenital with brain and eye anomalies), type A2; Autosomal recessive limb-girdle muscular dystrophy type 2N. Last evaluated: 2023-03-07. Review status: criteria provided, single submitter. Criteria: Invitae Variant Classification Sherloc (09022015). Collection method: clinical testing. Allele origin: unknown.
Comment: For these reasons, this variant has been classified as Pathogenic. This variant disrupts a region of the POMT2 protein in which other variant(s) (p.Trp748Arg) have been determined to be pathogenic (PMID: 17634419, 17869517, 17878207). This suggests that this is a clinically significant region of the protein, and that variants that disrupt it are likely to be disease-causing. This variant has not been reported in the literature in individuals affected with POMT2-related conditions. This variant is a gross deletion of the genomic region encompassing exon(s) 3-21 of the POMT2 gene, which includes the termination codon. This deletion extends beyond the assayed region for this gene and therefore may encompass additional genes. While this deletion is not anticipated to lead to nonsense mediated decay, it is expected to alter mRNA translation or result in a truncated protein product.

Literature cited by the submitters: PubMed 17634419; PubMed 17869517; PubMed 17878207.

NC_000014.8:g.(?_77743719)_(77772804_?)del

Gene: POMT2 (protein O-mannosyltransferase 2; minus strand). Cytogenetic location: 14q24.3.
Variant type: Deletion.
Identifiers: ClinVar variation 3244012 (VCV003244012.1).